The following is an entry in ClinVar:

ClinVar aggregate classification (germline): Uncertain significance (1 of 4 stars; one submission).

Allele frequency attached by ClinVar (database versions not stated): gnomAD exomes 0.00001; ExAC 0.00002; gnomAD 0.00002; TOPMed 0.00005.
gnomAD v4.1: 12 of 1,613,982 alleles (0.00074%); highest among the groups gnomAD compares: Admixed American, 0.005%; no homozygotes.

Submission:

Labcorp Genetics (formerly Invitae), Labcorp
Classification: Uncertain significance. Last evaluated: 2023-04-07. Review status: criteria provided, single submitter. Criteria: Invitae Variant Classification Sherloc (09022015). Collection method: clinical testing. Allele origin: germline.
Comment: This sequence change replaces alanine, which is neutral and non-polar, with valine, which is neutral and non-polar, at codon 237 of the DSPP protein (p.Ala237Val). This variant is present in population databases (rs758321752, gnomAD 0.003%). This variant has not been reported in the literature in individuals affected with DSPP-related conditions. Algorithms developed to predict the effect of missense changes on protein structure and function output the following: SIFT: "Not Available"; PolyPhen-2: "Possibly Damaging"; Align-GVGD: "Not Available". The valine amino acid residue is found in multiple mammalian species, which suggests that this missense change does not adversely affect protein function. In summary, the available evidence is currently insufficient to determine the role of this variant in disease. Therefore, it has been classified as a Variant of Uncertain Significance.

NM_014208.3(DSPP):c.710C>T (p.Ala237Val)

Genes: DMP1-AS1 (DMP1 and DSPP antisense RNA 1; minus strand), DSPP (dentin sialophosphoprotein; plus strand). Cytogenetic location: 4q22.1.
Variant type: single nucleotide variant.
Coding change: c.710C>T on transcript NM_014208.3 (MANE Select); coding-DNA position 710, C replaced by T.
Protein change: p.Ala237Val; replaces alanine 237 with valine.
Molecular consequence: missense variant.
Genome position (GRCh38, 1-based): chr4:87,612,896, C>T. VCF-style: chr4-87612896-C-T. GRCh37 (hg19) VCF-style: chr4-88534048-C-T.
Other names: short protein forms A237V.
Identifiers: ClinVar variation 2712167 (VCV002712167.3), dbSNP rs758321752, ClinGen allele CA3000940.